The following is an entry in ClinVar:

ClinVar aggregate classification (germline): Uncertain significance (1 of 4 stars; one submission).

Conditions:
Bardet-Biedl syndrome (BBS). Identifiers: Orphanet 110, MedGen C0752166, MONDO:0015229.

Allele frequency attached by ClinVar (database versions not stated): TOPMed below 0.00001; gnomAD exomes 0.00001.

Submission:

Labcorp Genetics (formerly Invitae), Labcorp
Classification: Uncertain significance for Bardet-Biedl syndrome. Last evaluated: 2025-05-14. Review status: criteria provided, single submitter. Criteria: Invitae Variant Classification Sherloc (09022015). Collection method: clinical testing. Allele origin: germline.
Comment: This sequence change replaces methionine, which is neutral and non-polar, with lysine, which is basic and polar, at codon 116 of the BBS12 protein (p.Met116Lys). This variant is not present in population databases (gnomAD no frequency). This variant has not been reported in the literature in individuals affected with BBS12-related conditions. ClinVar contains an entry for this variant (Variation ID: 2174936). Invitae Evidence Modeling of protein sequence and biophysical properties (such as structural, functional, and spatial information, amino acid conservation, physicochemical variation, residue mobility, and thermodynamic stability) indicates that this missense variant is expected to disrupt BBS12 protein function with a positive predictive value of 80%. In summary, the available evidence is currently insufficient to determine the role of this variant in disease. Therefore, it has been classified as a Variant of Uncertain Significance.

NM_152618.3(BBS12):c.347T>A (p.Met116Lys)

Gene: BBS12 (Bardet-Biedl syndrome 12; plus strand). Cytogenetic location: 4q27.
Variant type: single nucleotide variant.
Coding change: c.347T>A on transcript NM_152618.3 (MANE Select); coding-DNA position 347, T replaced by A.
Protein change: p.Met116Lys; replaces methionine 116 with lysine.
Molecular consequence: missense variant.
Genome position (GRCh38, 1-based): chr4:122,742,239, T>A. VCF-style: chr4-122742239-T-A. GRCh37 (hg19) VCF-style: chr4-123663394-T-A.
Other names: c.347T>A, p.Met116Lys (NM_001178007.2); short protein forms M116K.
Identifiers: ClinVar variation 2174936 (VCV002174936.2), dbSNP rs1800887212, ClinGen allele CA358222719.